The following is an entry in ClinVar:

ClinVar aggregate classification (germline): Pathogenic (1 of 4 stars; one submission).

Conditions:
Hereditary diffuse gastric adenocarcinoma (HDGC). Also called: DIFFUSE GASTRIC AND LOBULAR BREAST CANCER SYNDROME. Identifiers: Orphanet 26106, MedGen C1708349, MONDO:0007648, OMIM 137215.

Submission:

Labcorp Genetics (formerly Invitae), Labcorp
Classification: Pathogenic for Hereditary diffuse gastric adenocarcinoma. Last evaluated: 2019-09-15. Review status: criteria provided, single submitter. Criteria: Invitae Variant Classification Sherloc (09022015). Collection method: clinical testing. Allele origin: germline.
Comment: For these reasons, this variant has been classified as Pathogenic. Loss-of-function variants in CDH1 are known to be pathogenic (PMID: 15235021, 20373070). This variant has not been reported in the literature in individuals with CDH1-related conditions. This variant is not present in population databases (ExAC no frequency). This sequence change creates a premature translational stop signal (p.Leu658Phefs*5) in the CDH1 gene. It is expected to result in an absent or disrupted protein product.

Literature cited by the submitters: PubMed 15235021; PubMed 20373070.

NM_004360.5(CDH1):c.1973dup (p.Leu658fs)

Gene: CDH1 (cadherin 1; plus strand). Cytogenetic location: 16q22.1.
Variant type: Duplication.
Coding change: c.1973dup on transcript NM_004360.5 (MANE Select); coding-DNA position 1973, one base duplicated (T; older notation c.1973dupT).
Protein change: p.Leu658fs; shifts the reading frame from leucine 658.
Molecular consequence: frameshift variant.
Genome position (GRCh38, 1-based): chr16:68,823,435, T duplicated; the last of 2 consecutive T bases (chr16:68,823,434-68,823,435); duplicating either gives the same sequence. VCF-style (leftmost placement, unchanged base first): chr16-68823433-C-CT. GRCh37 (hg19) VCF-style: chr16-68857336-C-CT.
Other names: c.1790dup, p.Leu597fs (NM_001317184.2); c.425dup, p.Leu142fs (NM_001317185.2); c.8dup, p.Leu3fs (NM_001317186.2); short protein forms L597fs, L142fs, L3fs, L658fs.
Identifiers: ClinVar variation 964308 (VCV000964308.8), dbSNP rs1961225620, ClinGen allele CA1139664765.
Genomic context (GRCh38, chr16:68,823,433, plus strand): 5'-TCATTTCTTTTTATTGCTTTCTCCAGCCCAAGAATCTATCATTTTGAAGCCAAAGATGGC[C>CT]TTAGAGGTGGGTGACTACAAAATCAATCTCAAGCTCATGGATAACCAGAATAAAGACCAA-3'